The following is an entry in ClinVar:

ClinVar aggregate classification (germline): Uncertain significance (1 of 4 stars; one submission).

Conditions:
Primary ciliary dyskinesia. Also called: Ciliary dyskinesia. Identifiers: Orphanet 244, MedGen C0008780, MONDO:0016575, HP:0012265.

gnomAD v4.1: 5 of 1,614,148 alleles (0.00031%); highest among the groups gnomAD compares: South Asian, 0.0033%; no homozygotes.

Submission:

Labcorp Genetics (formerly Invitae), Labcorp
Classification: Uncertain significance for Primary ciliary dyskinesia. Last evaluated: 2024-10-11. Review status: criteria provided, single submitter. Criteria: Invitae Variant Classification Sherloc (09022015). Collection method: clinical testing. Allele origin: germline.
Comment: This sequence change replaces tyrosine, which is neutral and polar, with cysteine, which is neutral and slightly polar, at codon 4534 of the DNAH5 protein (p.Tyr4534Cys). This variant is present in population databases (rs145877587, gnomAD 0.006%). This variant has not been reported in the literature in individuals affected with DNAH5-related conditions. Invitae Evidence Modeling of protein sequence and biophysical properties (such as structural, functional, and spatial information, amino acid conservation, physicochemical variation, residue mobility, and thermodynamic stability) has been performed for this missense variant. However, the output from this modeling did not meet the statistical confidence thresholds required to predict the impact of this variant on DNAH5 protein function. In summary, the available evidence is currently insufficient to determine the role of this variant in disease. Therefore, it has been classified as a Variant of Uncertain Significance.

NM_001369.3(DNAH5):c.13601A>G (p.Tyr4534Cys)

Gene: DNAH5 (dynein axonemal heavy chain 5; minus strand). Cytogenetic location: 5p15.2.
Variant type: single nucleotide variant.
Coding change: c.13601A>G on transcript NM_001369.3 (MANE Select); coding-DNA position 13601, A replaced by G.
Protein change: p.Tyr4534Cys; replaces tyrosine 4534 with cysteine.
Molecular consequence: missense variant.
Genome position (GRCh38, 1-based): chr5:13,700,762, T>C on the plus strand (A>G on the coding strand, the complement: DNAH5 is on the minus strand). VCF-style: chr5-13700762-T-C. GRCh37 (hg19) VCF-style: chr5-13700871-T-C.
Other names: short protein forms Y4534C.
Identifiers: ClinVar variation 3625794 (VCV003625794.1).